The following is an entry in ClinVar:

NM_000083.3(CLCN1):c.895G>C (p.Val299Leu)

Gene: CLCN1 (chloride voltage-gated channel 1; plus strand). Cytogenetic location: 7q34.
Variant type: single nucleotide variant.
Coding change: c.895G>C on transcript NM_000083.3 (MANE Select); coding-DNA position 895, G replaced by C.
Protein change: p.Val299Leu; replaces valine 299 with leucine.
Molecular consequence: missense variant. On other transcripts: non-coding transcript variant (1).
Genome position (GRCh38, 1-based): chr7:143,330,813, G>C. VCF-style: chr7-143330813-G-C. GRCh37 (hg19) VCF-style: chr7-143027906-G-C.
Other names: NM_000083.3(CLCN1):c.895G>C; short protein forms V299L.
Identifiers: ClinVar variation 447073 (VCV000447073.33), dbSNP rs202179484, ClinGen allele CA168212450.

ClinVar aggregate classification (germline): Conflicting classifications of pathogenicity. Review status: criteria provided, conflicting classifications (1 of 4 stars). 8 submissions from 8 submitters: Pathogenic (1); Likely pathogenic (4); Uncertain significance (3). Last evaluated 2024-10-30.

Conditions:
CLCN1-related disorder. Also called: CLCN1-related condition.
Congenital myotonia, autosomal dominant form (THD). Also called: THOMSEN DISEASE; Myotonia congenita autosomal dominant. Identifiers: Orphanet 614, MedGen C2936781, MONDO:0008055, OMIM 160800.
Congenital myotonia, autosomal recessive form. Also called: Becker Generalized Myotonia; myotonia congenita, autosomal recessive; BECKER DISEASE. Identifiers: Orphanet 614, MedGen C0751360, MONDO:0009715, OMIM 255700.
Abnormality of the musculature. Identifiers: MedGen C4021745, HP:0003011.

Allele frequency attached by ClinVar (database versions not stated): gnomAD 0.00001; TOPMed 0.00001.
gnomAD v4.1: 9 of 1,614,086 alleles (0.00056%); highest among the groups gnomAD compares: Middle Eastern, 0.016%; no homozygotes.

Submissions (8):

Women's Health and Genetics/Laboratory Corporation of America, LabCorp
Classification: Pathogenic for Congenital myotonia, autosomal recessive form. Last evaluated: 2024-10-30. Review status: criteria provided, single submitter. Criteria: LabCorp Variant Classification Summary - May 2015. Collection method: clinical testing. Allele origin: germline.
Comment: Variant summary: CLCN1 c.895G>C (p.Val299Leu) results in a conservative amino acid change in the encoded protein sequence. Four of five in-silico tools predict a damaging effect of the variant on protein function. The variant allele was found at a frequency of 4e-06 in 251404 control chromosomes. c.895G>C has been reported in the literature as a heterozygous and homozygous genotype in multiple individuals affected with features of myotonia congenita/skeletal muscle channelopathies/neuromuscular disorders (Abolhassani_2024, Fialho_2007, Stunnenberg_2018, Suetterlin_2022, Tpf_2020). At least one affected homozygous individual had unaffected heterozygous carrier parents reported as distant cousins with evidence of transient weakness (e.g, Fialho_2007). As both dominant and recessive variants have been reported in this gene, these data indicate that the variant is very likely to be associated with disease. The following publications have been ascertained in the context of this evaluation (PMID: 38374194, 17932099, 29606556, 34529042, 32528171). ClinVar contains an entry for this variant (Variation ID: 447073). Based on the evidence outlined above, the variant was classified as pathogenic.

Labcorp Genetics (formerly Invitae), Labcorp
Classification: Uncertain significance for Congenital myotonia, autosomal recessive form; Congenital myotonia, autosomal dominant form. Last evaluated: 2024-06-21. Review status: criteria provided, single submitter. Criteria: Invitae Variant Classification Sherloc (09022015). Collection method: clinical testing. Allele origin: germline.
Comment: This sequence change replaces valine, which is neutral and non-polar, with leucine, which is neutral and non-polar, at codon 299 of the CLCN1 protein (p.Val299Leu). This variant is present in population databases (rs202179484, gnomAD 0.003%). This missense change has been observed in individual(s) with clinical features of autosomal dominant CLCN1-related conditions (PMID: 29606556). ClinVar contains an entry for this variant (Variation ID: 447073). Advanced modeling of protein sequence and biophysical properties (such as structural, functional, and spatial information, amino acid conservation, physicochemical variation, residue mobility, and thermodynamic stability) performed at Invitae indicates that this missense variant is expected to disrupt CLCN1 protein function with a positive predictive value of 80%. Experimental studies have shown that this missense change affects CLCN1 function (PMID: 34529042). In summary, the available evidence is currently insufficient to determine the role of this variant in disease. Therefore, it has been classified as a Variant of Uncertain Significance.

Victorian Clinical Genetics Services, Murdoch Childrens Research Institute
Classification: Likely pathogenic for Congenital myotonia, autosomal recessive form. Last evaluated: 2023-07-17. Review status: criteria provided, single submitter. Criteria: ACMG Guidelines, 2015. Collection method: clinical testing. Allele origin: germline. Inheritance: Autosomal recessive inheritance.
Comment: Based on the classification scheme VCGS_Germline_v1.3.4, this variant is classified as Likely pathogenic. Following criteria are met: 0103 - Dominant negative and loss of function are known mechanisms of disease in this gene and are associated with autosomal dominant myotonia congenita (AD MC; MIM#160800) and autosomal recessive myotonia congenita (AR MC; MIM#255700), respectively (GeneReviews; PMID: 32117034). (I) 0108 - This gene is associated with both recessive and dominant disease. The genotype-phenotype correlation is currently unestablished however, AR MC is a more severe disease than AR MC (GeneReviews). (I) 0112 - The condition associated with this gene has incomplete penetrance. Specifically, this has been described in AD MC families (GeneReviews). (I) 0115 - Variants in this gene are known to have variable expressivity. Intra-familial variability has been described (GeneReviews). (I) 0200 - Variant is predicted to result in a missense amino acid change from valine to leucine. (I) 0251 - This variant is heterozygous. (I) 0304 - Variant is present in gnomAD <0.01 condition (v2+v3: 2 heterozygotes, 0 homozygotes). (SP) 0309 - An alternative amino acid change at the same position has been observed in gnomAD (v2: 1 heterozygote, 0 homozygotes). (I) 0502 - Missense variant with conflicting in silico predictions and uninformative conservation. (I) 0600 - Variant is located in the annotated TM1 domain (PMID: 34529042). (I) 0704 - Another missense variant comparable to the one identified in this case has limited previous evidence for pathogenicity. p.(Val299Ala) has been identified in a compound heterozygote individual with AR MC (PMID: 34790634). (SP) 0801 - This variant has strong previous evidence of pathogenicity in unrelated individuals. It has been reported in one AD MC family with two affecteds (PMID: 29606556), two AR MC families, one of whom reportedly have unaffected carrier parents (PMIDs: 34529042, 17932099) and in an individual with an undiagnosed neuromuscular disorder, although zygosity was not reported (PMID: 32528171). Diagnostic laboratories in ClinVar has conflicting classifications for this variant, both likely pathogenic and VUS. (SP) 1002 - This variant has moderate functional evidence supporting abnormal protein function. Patch clamp assays in xenopus oocytes demonstrated a reduction in channel activities when expressed both as a homomer or in heterozygous state (co-expressed as mutant + WT) (PMID: 34529042). (I) Legend: (SP) - Supporting pathogenic, (I) - Information, (SB) - Supporting benign

Broad Center for Mendelian Genomics, Broad Institute of MIT and Harvard
Classification: Uncertain significance for Congenital myotonia, autosomal dominant form. Last evaluated: 2022-05-04. Review status: criteria provided, single submitter. Criteria: ACMG Guidelines, 2015. Collection method: curation. Allele origin: germline. Inheritance: Autosomal dominant inheritance.
Comment: The variant has been reported in 2 Dutch individuals with autosomal dominant myotonia congenita (PMID: 29606556), and has been identified in 0.003% (1/30614) of South Asian chromosomes by the Genome Aggregation Database (gnomAD; dbSNP ID: rs202179484). Although this variant has been seen in the general population, its frequency is not high enough to rule out a pathogenic role. This variant has also been reported in ClinVar (Variation ID: 447073) as likely pathogenic by Athena Diagnostics Inc, and as having uncertain significance by GeneDx. Computational prediction tools and conservation analyses suggest that this variant may impact the protein, though this information is not predictive enough to determine pathogenicity. In summary, while there is some suspicion for a pathogenic role, the clinical significance of this variant is uncertain. ACMG/AMP Criteria applied: PS4_supporting, PP3 (Richards 2015).

Blueprint Genetics
Classification: Likely pathogenic for CLCN1-related disorders. Last evaluated: 2022-04-21. Review status: criteria provided, single submitter. Criteria: ACMG Guidelines, 2015. Collection method: clinical testing. Allele origin: germline. Affected: yes. Observed: 1 variant allele.

GeneDx
Classification: Uncertain significance. Last evaluated: 2021-11-30. Review status: criteria provided, single submitter. Criteria: GeneDx Variant Classification Process June 2021. Collection method: clinical testing. Allele origin: germline. Affected: yes.
Comment: Not observed at significant frequency in large population cohorts (Lek et al., 2016); In silico analysis supports that this missense variant has a deleterious effect on protein structure/function; This variant is associated with the following publications: (PMID: 17932099, 32528171)

Kariminejad - Najmabadi Pathology & Genetics Center
Classification: Likely pathogenic for Abnormality of the musculature. Last evaluated: 2021-07-10. Review status: criteria provided, single submitter. Criteria: ACMG Guidelines, 2015. Collection method: clinical testing. Allele origin: germline. Affected: yes.

Athena Diagnostics
Classification: Likely pathogenic. Last evaluated: 2017-04-27. Review status: criteria provided, single submitter. Criteria: Athena Diagnostics Criteria. Collection method: clinical testing. Allele origin: germline.

Literature cited by the submitters: PubMed 29606556 (cited by 3 submitters); PubMed 32528171 (cited by Women's Health and Genetics/Laboratory Corporation of America, LabCorp and Victorian Clinical Genetics Services, Murdoch Childrens Research Institute); PubMed 34529042 (cited by 3 submitters); PubMed 38374194 (cited by Women's Health and Genetics/Laboratory Corporation of America, LabCorp); PubMed 17932099 (cited by 3 submitters); PubMed 32117034 (cited by Victorian Clinical Genetics Services, Murdoch Childrens Research Institute); PubMed 34790634 (cited by Victorian Clinical Genetics Services, Murdoch Childrens Research Institute).